The following is an entry in ClinVar:

ClinVar aggregate classification (germline): Uncertain significance (1 of 4 stars; one submission).

Submission:

GeneDx
Classification: Uncertain significance. Last evaluated: 2024-07-23. Review status: criteria provided, single submitter. Criteria: GeneDx Variant Classification Process June 2021. Collection method: clinical testing. Allele origin: germline. Affected: yes.
Comment: Not observed at significant frequency in large population cohorts (gnomAD); In silico analysis supports that this missense variant has a deleterious effect on protein structure/function; Has not been previously published as pathogenic or benign to our knowledge

NM_001378964.1(CDON):c.1757C>G (p.Pro586Arg)

Gene: CDON (cell adhesion associated, oncogene regulated; minus strand). Cytogenetic location: 11q24.2.
Variant type: single nucleotide variant.
Coding change: c.1757C>G on transcript NM_001378964.1 (MANE Select); coding-DNA position 1757, C replaced by G.
Protein change: p.Pro586Arg; replaces proline 586 with arginine.
Molecular consequence: missense variant.
Genome position (GRCh38, 1-based): chr11:126,005,853, G>C on the plus strand (C>G on the coding strand, the complement: CDON is on the minus strand). VCF-style: chr11-126005853-G-C. GRCh37 (hg19) VCF-style: chr11-125875748-G-C.
Other names: c.1757C>G, p.Pro586Arg (NM_001243597.3, NM_016952.6); short protein forms P586R.
Identifiers: ClinVar variation 3600681 (VCV003600681.1).
Genomic context (GRCh38, chr11:126,005,853, plus strand): 5'-AGCCCACCATCCTTGCCTGCCCTCCACACCAGGTTGTACGTGTCTGGTGTGTGGGTCTGT[G>C]GGGGGCTCAGTATGATGGGGGCATCAGGAACAGAGATGCCGCTGGCGTTTTTCTCTGGTG-3'
Protein context (NP_001365893.1, residues 576-596): VPDAPIILSP[Pro586Arg]QTHTPDTYNL